The following is an entry in ClinVar:

NM_019074.4(DLL4):c.585C>T (p.Phe195=)

Gene: DLL4 (delta like canonical Notch ligand 4; plus strand). Cytogenetic location: 15q15.1.
Variant type: single nucleotide variant.
Coding change: c.585C>T on transcript NM_019074.4 (MANE Select); coding-DNA position 585, C replaced by T.
Protein change: p.Phe195=; no amino-acid change (phenylalanine 195 retained).
Molecular consequence: synonymous variant.
Genome position (GRCh38, 1-based): chr15:40,931,693, C>T. VCF-style: chr15-40931693-C-T. GRCh37 (hg19) VCF-style: chr15-41223891-C-T.
Identifiers: ClinVar variation 2174088 (VCV002174088.17), dbSNP rs368578210, ClinGen allele CA7487707.
Genomic context (GRCh38, chr15:40,931,693, plus strand): 5'-CAGTGACAACTACTATGGAGACAACTGCTCCCGCCTGTGCAAGAAGCGCAATGACCACTT[C>T]GGCCACTATGTGTGCCAGCCAGATGGCAACTTGTCCTGCCTGCCCGGTTGGACTGGGGAA-3'
Protein context (NP_061947.1, residues 185-205): SRLCKKRNDH[Phe195=]GHYVCQPDGN

ClinVar aggregate classification (germline): Likely benign. Review status: criteria provided, multiple submitters, no conflicts (2 of 4 stars). 2 submissions from 2 submitters: Likely benign (2). Last evaluated 2025-07-24.

Allele frequency attached by ClinVar (database versions not stated): ExAC 0.00007; gnomAD 0.00007; TOPMed 0.00010; gnomAD exomes 0.00011; ESP Exome Variant Server 0.00016.

Submissions (2):

Labcorp Genetics (formerly Invitae), Labcorp
Classification: Likely benign. Last evaluated: 2025-07-24. Review status: criteria provided, single submitter. Criteria: Invitae Variant Classification Sherloc (09022015). Collection method: clinical testing. Allele origin: germline.

CeGaT Center for Human Genetics Tuebingen
Classification: Likely benign. Last evaluated: 2025-01-01. Review status: criteria provided, single submitter. Criteria: CeGaT Center For Human Genetics Tuebingen Variant Classification Criteria Version 2. Collection method: clinical testing. Allele origin: germline. Affected: yes. Observed: 1 variant allele.
Comment: DLL4: BP4, BP7